The following is an entry in ClinVar:

NM_001083962.2(TCF4):c.789+23C>T

Gene: TCF4 (transcription factor 4; minus strand). Cytogenetic location: 18q21.2.
Variant type: single nucleotide variant.
Coding change: c.789+23C>T on transcript NM_001083962.2 (MANE Select); 23 bases into the intron after coding-DNA position 789, C replaced by T.
Molecular consequence: intron variant.
Genome position (GRCh38, 1-based): chr18:55,275,596, G>A on the plus strand (C>T on the coding strand, the complement: TCF4 is on the minus strand). VCF-style: chr18-55275596-G-A. GRCh37 (hg19) VCF-style: chr18-52942827-G-A.
Other names: c.717+23C>T (NM_001243227.2, NM_001369586.1, NM_001369579.1 and 9 more transcripts); c.789+23C>T (NM_001369571.1, NM_001369567.1, NM_001369572.1 and 4 more transcripts); c.807+23C>T (NM_001243228.2); c.783+23C>T (NM_001243230.2); c.786+23C>T (NM_001369569.1, NM_001369573.1, NM_001369570.1); c.714+23C>T (NM_001369585.1, NM_001369578.1, NM_001369581.1 and 3 more transcripts); c.663+23C>T (NM_001243231.2, NM_001348211.2); c.399+23C>T (NM_001348212.2, NM_001348213.2, NM_001243233.2 and 1 more transcripts); and 4 more.
Identifiers: ClinVar variation 160089 (VCV000160089.9), dbSNP rs1788027, ClinGen allele CA173652.

ClinVar aggregate classification (germline): Benign. Review status: criteria provided, multiple submitters, no conflicts (2 of 4 stars). 5 submissions from 4 submitters: Benign (4). 1 of the submissions does not count toward it. Last evaluated 2021-07-15.

Conditions:
Corneal dystrophy, Fuchs endothelial, 3 (FECD3). Also called: FCD2 LOCUS. Identifiers: Orphanet 98974, MedGen C2750451, MONDO:0013203, OMIM 613267.
Pitt-Hopkins syndrome (PTHS). Also called: ENCEPHALOPATHY, SEVERE EPILEPTIC, WITH AUTONOMIC DYSFUNCTION; MENTAL RETARDATION, SYNDROMAL, WITH INTERMITTENT HYPERVENTILATION. Identifiers: Orphanet 2896, MedGen C1970431, MONDO:0012589, OMIM 610954.

Allele frequency attached by ClinVar (database versions not stated): TOPMed 0.53241; ESP Exome Variant Server 0.53345; 1000 Genomes Project 30x 0.57027; 1000 Genomes Project 0.57029; gnomAD exomes 0.46544 and 0.47903; ExAC 0.48924; gnomAD 0.53030 and 0.53241.
gnomAD v4.1: 762,061 of 1,612,902 alleles (47%); highest among the groups gnomAD compares: African/African-American, 71%; 184,152 homozygotes.

Submissions (5):

Genome-Nilou Lab
Classification: Benign for Corneal dystrophy, Fuchs endothelial, 3. Last evaluated: 2021-07-15. Review status: criteria provided, single submitter. Criteria: ACMG Guidelines, 2015. Collection method: clinical testing. Allele origin: germline. Affected: no.

Genome-Nilou Lab
Classification: Benign for Pitt-Hopkins syndrome. Last evaluated: 2021-07-15. Review status: criteria provided, single submitter. Criteria: ACMG Guidelines, 2015. Collection method: clinical testing. Allele origin: germline. Affected: no.

GeneDx
Classification: Benign. Last evaluated: 2018-06-14. Review status: criteria provided, single submitter. Criteria: GeneDx Variant Classification (06012015). Collection method: clinical testing. Allele origin: germline. Affected: yes.
Comment: This variant is considered likely benign or benign based on one or more of the following criteria: it is a conservative change, it occurs at a poorly conserved position in the protein, it is predicted to be benign by multiple in silico algorithms, and/or has population frequency not consistent with disease.

Breakthrough Genomics
Classification: Benign. Review status: criteria provided, single submitter. Criteria: ACMG Guidelines, 2015. Collection method: not provided. Allele origin: germline. Inheritance: Autosomal dominant inheritance. Affected: yes.

Genetic Services Laboratory, University of Chicago
Classification: Likely benign. Review status: no assertion criteria provided. Collection method: clinical testing. Allele origin: germline. Inheritance: Autosomal dominant inheritance. Not counted in ClinVar's aggregate classification.
Comment: Likely benign based on allele frequency in 1000 Genomes Project or ESP global frequency and its presence in a patient with a rare or unrelated disease phenotype. NOT Sanger confirmed